The following is an entry in ClinVar:

NM_024417.5(FDXR):c.3G>A (p.Met1Ile)

Genes: FDXR (ferredoxin reductase; minus strand), LOC112533667 (Sharpr-MPRA regulatory region 86; plus strand). Cytogenetic location: 17q25.1.
Variant type: single nucleotide variant.
Coding change: c.3G>A on transcript NM_024417.5 (MANE Select); coding-DNA position 3, G replaced by A.
Protein change: p.Met1Ile; changes the start codon (methionine 1).
Molecular consequence: missense variant, initiator codon variant. On other transcripts: non-coding transcript variant (1).
Genome position (GRCh38, 1-based): chr17:74,872,942, C>T on the plus strand (G>A on the coding strand, the complement: FDXR is on the minus strand). VCF-style: chr17-74872942-C-T. GRCh37 (hg19) VCF-style: chr17-72869067-C-T.
Other names: c.3G>A, p.Met1Ile (NM_001258012.4, NM_001258013.4, NM_001258014.4 and 2 more transcripts); short protein forms M1I.
Identifiers: ClinVar variation 3048648 (VCV003048648.2), dbSNP rs778143816, ClinGen allele CA8753407.
Genomic context (GRCh38, chr17:74,872,942, plus strand): 5'-GGGAGGCAGCCGGGTCCGAGGCCACGCCGACCAGCCCCACCAGCGCCAGCAGCGCGAAGC[C>T]ATGGCTGGGAGCAGCAACCTGCAAGTGGATCTGTTCCTAGCTACTGCTCCGCAGGGCAAG-3'
Protein context (NP_077728.3, residues 1-11): [Met1Ile]ASRCWRWWGW

ClinVar aggregate classification (germline): Likely pathogenic (0 of 4 stars; one submission).

Conditions:
FDXR-related disorder. Also called: FDXR-related condition; FDXR-related disorders.

Allele frequency attached by ClinVar (database versions not stated): gnomAD exomes below 0.00001; gnomAD 0.00001; TOPMed 0.00001; ExAC 0.00007.

Submission:

PreventionGenetics, part of Exact Sciences
Classification: Likely pathogenic for FDXR-related condition. Last evaluated: 2023-11-27. Review status: no assertion criteria provided. Collection method: clinical testing. Allele origin: germline.
Comment: The FDXR c.3G>A variant is predicted to disrupt the translation initiation site (Start loss). To our knowledge, this variant has not been reported in the literature. This variant is reported in 0.023% of alleles in individuals of East Asian descent in gnomAD. A different nucleotide substitution affecting this start codon (c.1A>G) has been reported in the compound heterozygous state in an individual with FDXR-related phenotypes (Slone et al. 2018. PubMed ID: 30250212). Taken together, the c.3G>A variant is interpreted as likely pathogenic.